The following is an entry in ClinVar:

NM_001371727.1(GABRB2):c.680-174G>A

Gene: GABRB2 (gamma-aminobutyric acid type A receptor subunit beta2; minus strand). Cytogenetic location: 5q34.
Variant type: single nucleotide variant.
Coding change: c.680-174G>A on transcript NM_001371727.1 (MANE Select); 174 bases into the intron before coding-DNA position 680, G replaced by A.
Molecular consequence: intron variant.
Genome position (GRCh38, 1-based): chr5:161,335,078, C>T on the plus strand (G>A on the coding strand, the complement: GABRB2 is on the minus strand). VCF-style: chr5-161335078-C-T. GRCh37 (hg19) VCF-style: chr5-160762085-C-T.
Other names: c.680-174G>A (NM_000813.3, NM_021911.3).
Identifiers: ClinVar variation 677448 (VCV000677448.1), dbSNP rs112178828, ClinGen allele CA131020445.

ClinVar aggregate classification (germline): Likely benign (1 of 4 stars; one submission).

Allele frequency attached by ClinVar (database versions not stated): gnomAD 0.01066 and 0.01169; TOPMed 0.01100; 1000 Genomes Project 0.02256; 1000 Genomes Project 30x 0.02342.
gnomAD v4.1: 1,758 of 152,288 alleles (1.2%); highest among the groups gnomAD compares: South Asian, 5%; 40 homozygotes.

Submission:

GeneDx
Classification: Likely benign. Last evaluated: 2018-06-14. Review status: criteria provided, single submitter. Criteria: GeneDx Variant Classification (06012015). Collection method: clinical testing. Allele origin: germline. Affected: yes.
Comment: This variant is considered likely benign or benign based on one or more of the following criteria: it is a conservative change, it occurs at a poorly conserved position in the protein, it is predicted to be benign by multiple in silico algorithms, and/or has population frequency not consistent with disease.